The following is an entry in ClinVar:

NM_032638.5(GATA2):c.775G>A (p.Asp259Asn)

Gene: GATA2 (GATA binding protein 2; minus strand). Cytogenetic location: 3q21.3.
Variant type: single nucleotide variant.
Coding change: c.775G>A on transcript NM_032638.5 (MANE Select); coding-DNA position 775, G replaced by A.
Protein change: p.Asp259Asn; replaces aspartic acid 259 with asparagine.
Molecular consequence: missense variant.
Genome position (GRCh38, 1-based): chr3:128,485,823, C>T on the plus strand (G>A on the coding strand, the complement: GATA2 is on the minus strand). VCF-style: chr3-128485823-C-T. GRCh37 (hg19) VCF-style: chr3-128204666-C-T.
Other names: c.775G>A, p.Asp259Asn (NM_001145662.1, NM_001145661.2); short protein forms D259N.
Identifiers: ClinVar variation 965928 (VCV000965928.10), dbSNP rs768133841, ClinGen allele CA354405962.

ClinVar aggregate classification (germline): Uncertain significance. Review status: criteria provided, multiple submitters, no conflicts (2 of 4 stars). 2 submissions from 2 submitters: Uncertain significance (2). Last evaluated 2025-06-08.

Conditions:
Deafness-lymphedema-leukemia syndrome. Also called: Emberger syndrome; Lymphedema, primary, with myelodysplasia. Identifiers: Orphanet 3226, MedGen C3279664, MONDO:0013540, OMIM 614038.
Monocytopenia with susceptibility to infections. Also called: MONOCYTOPENIA AND MYCOBACTERIAL INFECTION SYNDROME; MONOCYTOPENIA WITH SUSCEPTIBILITY TO MYCOBACTERIAL, FUNGAL, AND PAPILLOMAVIRUS INFECTIONS AND MYELODYSPLASIA; COMBINED IMMUNODEFICIENCY WITH SUSCEPTIBILITY TO MYCOBACTERIAL, VIRAL, AND FUNGAL INFECTIONS; IMMUNODEFICIENCY 21; GATA2 DEFICIENCY; Dendritic cell, monocyte, B lymphocyte, and natural killer lymphocyte deficiency. Identifiers: Orphanet 228423, MedGen C3280030, MONDO:0013607, OMIM 614172.
Inborn genetic diseases. Identifiers: MedGen C0950123, MeSH D030342.

Allele frequency attached by ClinVar (database versions not stated): gnomAD exomes below 0.00001.
gnomAD v4.1: 1 of 1,613,850 alleles (0.000062%); highest among the groups gnomAD compares: Admixed American, 0.0017%; no homozygotes.

Submissions (2):

Ambry Genetics
Classification: Uncertain significance for Inborn genetic diseases. Last evaluated: 2025-06-08. Review status: criteria provided, single submitter. Criteria: Ambry Variant Classification Scheme 2023. Collection method: clinical testing. Allele origin: germline.
Comment: The p.D259N variant (also known as c.775G>A), located in coding exon 2 of the GATA2 gene, results from a G to A substitution at nucleotide position 775. The aspartic acid at codon 259 is replaced by asparagine, an amino acid with highly similar properties. This amino acid position is conserved. In addition, the in silico prediction for this alteration is inconclusive. Based on the available evidence, the clinical significance of this variant remains unclear.

Labcorp Genetics (formerly Invitae), Labcorp
Classification: Uncertain significance for Monocytopenia with susceptibility to infections; Deafness-lymphedema-leukemia syndrome. Last evaluated: 2022-12-02. Review status: criteria provided, single submitter. Criteria: Invitae Variant Classification Sherloc (09022015). Collection method: clinical testing. Allele origin: germline.
Comment: This variant is present in population databases (no rsID available, gnomAD 0.003%). This sequence change replaces aspartic acid, which is acidic and polar, with asparagine, which is neutral and polar, at codon 259 of the GATA2 protein (p.Asp259Asn). This variant has not been reported in the literature in individuals affected with GATA2-related conditions. In summary, the available evidence is currently insufficient to determine the role of this variant in disease. Therefore, it has been classified as a Variant of Uncertain Significance. Algorithms developed to predict the effect of missense changes on protein structure and function (SIFT, PolyPhen-2, Align-GVGD) all suggest that this variant is likely to be tolerated. ClinVar contains an entry for this variant (Variation ID: 965928).